The following is an entry in ClinVar:

ClinVar aggregate classification (germline): Likely benign (1 of 4 stars; one submission).

Allele frequency attached by ClinVar (database versions not stated): gnomAD 0.00002.

Submission:

CeGaT Center for Human Genetics Tuebingen
Classification: Likely benign. Last evaluated: 2023-01-01. Review status: criteria provided, single submitter. Criteria: CeGaT Center For Human Genetics Tuebingen Variant Classification Criteria Version 2. Collection method: clinical testing. Allele origin: germline. Affected: yes. Observed: 1 variant allele.
Comment: PROB1: BP4, BP7

NM_001161546.2(PROB1):c.1143G>T (p.Ser381=)

Genes: PROB1 (proline rich basic protein 1; minus strand), SPATA24 (spermatogenesis associated 24; minus strand). Cytogenetic location: 5q31.2.
Variant type: single nucleotide variant.
Coding change: c.1143G>T on transcript NM_001161546.2 (MANE Select); coding-DNA position 1143, G replaced by T.
Protein change: p.Ser381=; no amino-acid change (serine 381 retained).
Molecular consequence: synonymous variant.
Genome position (GRCh38, 1-based): chr5:139,393,939, C>A on the plus strand (G>T on the coding strand, the complement: PROB1 is on the minus strand). VCF-style: chr5-139393939-C-A. GRCh37 (hg19) VCF-style: chr5-138729628-C-A.
Identifiers: ClinVar variation 2655732 (VCV002655732.24), dbSNP rs889277710, ClinGen allele CA128254120.